The following is an entry in ClinVar:

NM_002617.4(PEX10):c.668T>C (p.Ile223Thr)

Gene: PEX10 (peroxisomal biogenesis factor 10; minus strand). Cytogenetic location: 1p36.32.
Variant type: single nucleotide variant.
Coding change: c.668T>C on transcript NM_002617.4 (MANE Select); coding-DNA position 668, T replaced by C.
Protein change: p.Ile223Thr; replaces isoleucine 223 with threonine.
Molecular consequence: missense variant. On other transcripts: non-coding transcript variant (1).
Genome position (GRCh38, 1-based): chr1:2,406,828, A>G on the plus strand (T>C on the coding strand, the complement: PEX10 is on the minus strand). VCF-style: chr1-2406828-A-G. GRCh37 (hg19) VCF-style: chr1-2338267-A-G.
Other names: c.725T>C, p.Ile242Thr (NM_001374425.1); c.293T>C, p.Ile98Thr (NM_001374426.1); c.236T>C, p.Ile79Thr (NM_001374427.1); c.728T>C, p.Ile243Thr (NM_153818.2); short protein forms I243T, I223T, I242T, I79T, I98T.
Identifiers: ClinVar variation 594599 (VCV000594599.7), dbSNP rs780850148, ClinGen allele CA538075.
Genomic context (GRCh38, chr1:2,406,828, plus strand): 5'-TGCCGCTGCCTGAAACCGTACAGCTGCAGCCCCATGGACAGCACCAGGTGCAGCAGTGAG[A>G]TGACCCCCAGCAGCCTGTAGCTAACACGGGCCCTCAGGTCCTCTCCGGGCAGGCTGCGGA-3'
Protein context (NP_002608.1, residues 213-233): ARVSYRLLGV[Ile223Thr]SLLHLVLSMG

ClinVar aggregate classification (germline): Uncertain significance. Review status: criteria provided, multiple submitters, no conflicts (2 of 4 stars). 2 submissions from 2 submitters: Uncertain significance (2). Last evaluated 2022-08-16.

Conditions:
Peroxisome biogenesis disorder, complementation group 7 (CG7). Also called: Peroxisome biogenesis disorder, complementation group B. Identifiers: MedGen C1864399.

Allele frequency attached by ClinVar (database versions not stated): gnomAD 0.00001; TOPMed below 0.00001; ExAC 0.00001; gnomAD exomes 0.00001.

Submissions (2):

Labcorp Genetics (formerly Invitae), Labcorp
Classification: Uncertain significance for Peroxisome biogenesis disorder, complementation group 7. Last evaluated: 2022-08-16. Review status: criteria provided, single submitter. Criteria: Invitae Variant Classification Sherloc (09022015). Collection method: clinical testing. Allele origin: germline.
Comment: This sequence change replaces isoleucine, which is neutral and non-polar, with threonine, which is neutral and polar, at codon 243 of the PEX10 protein (p.Ile243Thr). This variant is present in population databases (rs780850148, gnomAD 0.009%). This variant has not been reported in the literature in individuals affected with PEX10-related conditions. ClinVar contains an entry for this variant (Variation ID: 594599). Algorithms developed to predict the effect of missense changes on protein structure and function are either unavailable or do not agree on the potential impact of this missense change (SIFT: "Deleterious"; PolyPhen-2: "Benign"; Align-GVGD: "Class C0"). In summary, the available evidence is currently insufficient to determine the role of this variant in disease. Therefore, it has been classified as a Variant of Uncertain Significance.

Eurofins Ntd Llc (ga)
Classification: Uncertain significance. Last evaluated: 2017-11-02. Review status: criteria provided, single submitter. Criteria: EGL Classification Definitions 2015. Collection method: clinical testing. Allele origin: germline. Observed: 1 variant allele, 1 heterozygote.